The following is an entry in ClinVar:

ClinVar aggregate classification (germline): Uncertain significance (1 of 4 stars; one submission).

Allele frequency attached by ClinVar (database versions not stated): gnomAD 0.00007; ESP Exome Variant Server 0.00008.
gnomAD v4.1: 47 of 1,552,362 alleles (0.003%); highest among the groups gnomAD compares: African/African-American, 0.0055%; no homozygotes.

Submission:

Labcorp Genetics (formerly Invitae), Labcorp
Classification: Uncertain significance. Last evaluated: 2024-02-23. Review status: criteria provided, single submitter. Criteria: Invitae Variant Classification Sherloc (09022015). Collection method: clinical testing. Allele origin: germline.
Comment: This sequence change replaces isoleucine, which is neutral and non-polar, with methionine, which is neutral and non-polar, at codon 4042 of the HERC1 protein (p.Ile4042Met). This variant is present in population databases (rs368460721, gnomAD 0.008%). This variant has not been reported in the literature in individuals affected with HERC1-related conditions. ClinVar contains an entry for this variant (Variation ID: 1930204). Advanced modeling of protein sequence and biophysical properties (such as structural, functional, and spatial information, amino acid conservation, physicochemical variation, residue mobility, and thermodynamic stability) performed at Invitae indicates that this missense variant is expected to disrupt HERC1 protein function with a positive predictive value of 80%. Algorithms developed to predict the effect of sequence changes on RNA splicing suggest that this variant may create or strengthen a splice site. In summary, the available evidence is currently insufficient to determine the role of this variant in disease. Therefore, it has been classified as a Variant of Uncertain Significance.

NM_003922.4(HERC1):c.12126C>G (p.Ile4042Met)

Gene: HERC1 (HECT and RLD domain containing E3 ubiquitin protein ligase family member 1; minus strand). Cytogenetic location: 15q22.31.
Variant type: single nucleotide variant.
Coding change: c.12126C>G on transcript NM_003922.4 (MANE Select); coding-DNA position 12126, C replaced by G.
Protein change: p.Ile4042Met; replaces isoleucine 4042 with methionine.
Molecular consequence: missense variant.
Genome position (GRCh38, 1-based): chr15:63,637,611, G>C on the plus strand (C>G on the coding strand, the complement: HERC1 is on the minus strand). VCF-style: chr15-63637611-G-C. GRCh37 (hg19) VCF-style: chr15-63929810-G-C.
Other names: short protein forms I4042M.
Identifiers: ClinVar variation 1930204 (VCV001930204.5), dbSNP rs368460721, ClinGen allele CA7604057.